The following is an entry in ClinVar:

NM_001201550.3(CFHR4):c.1331G>A (p.Gly444Glu)

Gene: CFHR4 (complement factor H related 4; plus strand). Cytogenetic location: 1q31.3.
Variant type: single nucleotide variant.
Coding change: c.1331G>A on transcript NM_001201550.3 (MANE Select); coding-DNA position 1331, G replaced by A.
Protein change: p.Gly444Glu; replaces glycine 444 with glutamic acid.
Molecular consequence: missense variant.
Genome position (GRCh38, 1-based): chr1:196,914,645, G>A. VCF-style: chr1-196914645-G-A. GRCh37 (hg19) VCF-style: chr1-196883775-G-A.
Other names: c.1328G>A, p.Gly443Glu (NM_001201551.2); c.590G>A, p.Gly197Glu (NM_006684.5); short protein forms G197E, G443E, G444E.
Identifiers: ClinVar variation 3374964 (VCV003374964.1).

ClinVar aggregate classification (germline): Uncertain significance (1 of 4 stars; one submission).

gnomAD v4.1: 13 of 1,603,776 alleles (0.00081%); highest among the groups gnomAD compares: African/African-American, 0.018%; 1 homozygote.

Submission:

Women's Health and Genetics/Laboratory Corporation of America, LabCorp
Classification: Uncertain significance. Last evaluated: 2024-09-10. Review status: criteria provided, single submitter. Criteria: LabCorp Variant Classification Summary - May 2015. Collection method: clinical testing. Allele origin: germline.
Comment: Variant summary: CFHR4 c.1331G>A (p.Gly444Glu) results in a non-conservative amino acid change located in the Sushi/SCR/CCP domain of the encoded protein sequence. Three of five in-silico tools predict a benign effect of the variant on protein function. The variant allele was found at a frequency of 1.2e-05 in 242048 control chromosomes. The available data on variant occurrences in the general population are insufficient to allow any conclusion about variant significance. To our knowledge, no occurrence of c.1331G>A in individuals affected with Genetic Atypical Hemolytic Uremic Syndrome and no experimental evidence demonstrating its impact on protein function have been reported. No submitters have cited clinical-significance assessments for this variant to ClinVar. Based on the evidence outlined above, the variant was classified as uncertain significance.